The following is an entry in ClinVar:

NM_005876.5(SPEG):c.4883C>T (p.Ala1628Val)

Gene: SPEG (striated muscle enriched protein kinase; plus strand). Cytogenetic location: 2q35.
Variant type: single nucleotide variant.
Coding change: c.4883C>T on transcript NM_005876.5 (MANE Select); coding-DNA position 4883, C replaced by T.
Protein change: p.Ala1628Val; replaces alanine 1628 with valine.
Molecular consequence: missense variant.
Genome position (GRCh38, 1-based): chr2:219,477,961, C>T. VCF-style: chr2-219477961-C-T. GRCh37 (hg19) VCF-style: chr2-220342683-C-T.
Other names: c.4883C>T (NM_005876.4); short protein forms A1628V.
Identifiers: ClinVar variation 1506697 (VCV001506697.7), dbSNP rs199971371, ClinGen allele CA2126665.

ClinVar aggregate classification (germline): Uncertain significance. Review status: criteria provided, multiple submitters, no conflicts (2 of 4 stars). 3 submissions from 3 submitters: Uncertain significance (3). Last evaluated 2023-04-10.

Conditions:
Inborn genetic diseases. Identifiers: MedGen C0950123, MeSH D030342.
Myopathy, centronuclear, 5 (CNM5). Identifiers: Orphanet 169186, MedGen C4014814, MONDO:0014418, OMIM 615959.

Allele frequency attached by ClinVar (database versions not stated): gnomAD exomes 0.00003 and 0.00014; gnomAD 0.00006 and 0.00007; TOPMed 0.00006; ExAC 0.00007; 1000 Genomes Project 0.00020; 1000 Genomes Project 30x 0.00031.
gnomAD v4.1: 54 of 1,614,160 alleles (0.0033%); highest among the groups gnomAD compares: East Asian, 0.1%; no homozygotes.

Submissions (3):

Labcorp Genetics (formerly Invitae), Labcorp
Classification: Uncertain significance. Last evaluated: 2023-04-10. Review status: criteria provided, single submitter. Criteria: Invitae Variant Classification Sherloc (09022015). Collection method: clinical testing. Allele origin: germline.
Comment: In summary, the available evidence is currently insufficient to determine the role of this variant in disease. Therefore, it has been classified as a Variant of Uncertain Significance. An algorithm developed to predict the effect of missense changes on protein structure and function (PolyPhen-2) suggests that this variant¬† is likely to be tolerated. ClinVar contains an entry for this variant (Variation ID: 1506697). This variant has not been reported in the literature in individuals affected with SPEG-related conditions. This variant is present in population databases (rs199971371, gnomAD 0.2%). This sequence change replaces alanine, which is neutral and non-polar, with valine, which is neutral and non-polar, at codon 1628 of the SPEG protein (p.Ala1628Val).

Revvity Omics, Revvity
Classification: Uncertain significance for Myopathy, centronuclear, 5. Last evaluated: 2023-04-01. Review status: criteria provided, single submitter. Criteria: ACMG Guidelines, 2015. Collection method: clinical testing. Allele origin: germline.

Ambry Genetics
Classification: Uncertain significance for Inborn genetic diseases. Last evaluated: 2021-08-30. Review status: criteria provided, single submitter. Criteria: Ambry Variant Classification Scheme 2023. Collection method: clinical testing. Allele origin: germline.